The following is an entry in ClinVar:

NM_144666.3(DNHD1):c.12885G>A (p.Gln4295=)

Gene: DNHD1 (dynein heavy chain domain 1; plus strand). Cytogenetic location: 11p15.4.
Variant type: single nucleotide variant.
Coding change: c.12885G>A on transcript NM_144666.3 (MANE Select); coding-DNA position 12885, G replaced by A.
Protein change: p.Gln4295=; no amino-acid change (glutamine 4295 retained).
Molecular consequence: synonymous variant.
Genome position (GRCh38, 1-based): chr11:6,570,030, G>A. VCF-style: chr11-6570030-G-A. GRCh37 (hg19) VCF-style: chr11-6591260-G-A.
Identifiers: ClinVar variation 3043740 (VCV003043740.2), dbSNP rs201086340, ClinGen allele CA5856949.

ClinVar aggregate classification (germline): Likely benign (0 of 4 stars; one submission).

Conditions:
DNHD1-related disorder. Also called: DNHD1-related condition.

Allele frequency attached by ClinVar (database versions not stated): 1000 Genomes Project 30x 0.00031; gnomAD 0.00104; ESP Exome Variant Server 0.00123; TOPMed 0.00128.
gnomAD v4.1: 2,483 of 1,613,896 alleles (0.15%); highest among the groups gnomAD compares: Non-Finnish European, 0.19%; 2 homozygotes.

Submission:

PreventionGenetics, part of Exact Sciences
Classification: Likely benign for DNHD1-related condition. Last evaluated: 2019-03-28. Review status: no assertion criteria provided. Collection method: clinical testing. Allele origin: germline.
Comment: This variant is classified as likely benign based on ACMG/AMP sequence variant interpretation guidelines (Richards et al. 2015 PMID: 25741868, with internal and published modifications).